The following is an entry in ClinVar:

ClinVar aggregate classification (germline): Pathogenic/Likely pathogenic. Review status: criteria provided, multiple submitters, no conflicts (2 of 4 stars). 5 submissions from 5 submitters: Pathogenic (1); Likely pathogenic (3). 1 of the submissions does not count toward it. Last evaluated 2024-09-01.

Conditions:
Charcot-Marie-Tooth disease, demyelinating, type 1J. Also called: CHARCOT-MARIE-TOOTH NEUROPATHY, DEMYELINATING, TYPE 1J. Identifiers: MedGen C5774249, MONDO:0859311, OMIM 620111.

gnomAD v4.1: 1 of 1,494,754 alleles (0.000067%); no homozygotes.

Submissions (5):

CeGaT Center for Human Genetics Tuebingen
Classification: Pathogenic. Last evaluated: 2024-09-01. Review status: criteria provided, single submitter. Criteria: CeGaT Center For Human Genetics Tuebingen Variant Classification Criteria Version 2. Collection method: clinical testing. Allele origin: germline. Affected: yes. Observed: 1 variant allele.
Comment: ITPR3: PP1:Strong, PM1, PM2, PS4:Moderate, PP3, PS3:Supporting

Revvity Omics, Revvity
Classification: Likely pathogenic for Charcot-Marie-Tooth disease, demyelinating, type 1J. Last evaluated: 2023-10-26. Review status: criteria provided, single submitter. Criteria: ACMG Guidelines, 2015. Collection method: clinical testing. Allele origin: germline.

Human Genetics Bochum, Ruhr University Bochum
Classification: Likely pathogenic for Charcot-Marie-Tooth disease, demyelinating, type 1J. Last evaluated: 2023-09-18. Review status: criteria provided, single submitter. Criteria: ACMG Guidelines, 2015. Collection method: clinical testing. Allele origin: germline. Affected: yes.
Comment: ACMG criteria used to clasify this variant: PS3_MOD, PP3_MOD, PS4_SUP, PM2_SUP

GeneDx
Classification: Likely pathogenic. Last evaluated: 2023-05-04. Review status: criteria provided, single submitter. Criteria: GeneDx Variant Classification Process June 2021. Collection method: clinical testing. Allele origin: germline. Affected: yes.
Comment: Segregates with inherited peripheral neuropathy in a mother and two daughters reported in the published literature (Schabhuttl et al., 2014); Functional studies indicate that T1424M generates a leaky but functional channel (Terry et al., 2022); Not observed at significant frequency in large population cohorts (gnomAD); In silico analysis supports that this missense variant has a deleterious effect on protein structure/function; This variant is associated with the following publications: (PMID: 32949214, 24627108, 36444295)

OMIM
Classification: Pathogenic for CHARCOT-MARIE-TOOTH DISEASE, DEMYELINATING, TYPE 1J. Last evaluated: 2014-05-01. Review status: no assertion criteria provided. Collection method: literature only. Allele origin: germline. Not counted in ClinVar's aggregate classification.

Literature cited by the submitters: PubMed 24627108 (cited by OMIM).

NM_002224.4(ITPR3):c.4271C>T (p.Thr1424Met)

Gene: ITPR3 (inositol 1,4,5-trisphosphate receptor type 3; plus strand). Cytogenetic location: 6p21.31.
Variant type: single nucleotide variant.
Coding change: c.4271C>T on transcript NM_002224.4 (MANE Select); coding-DNA position 4271, C replaced by T.
Protein change: p.Thr1424Met; replaces threonine 1424 with methionine.
Molecular consequence: missense variant.
Genome position (GRCh38, 1-based): chr6:33,680,375, C>T. VCF-style: chr6-33680375-C-T. GRCh37 (hg19) VCF-style: chr6-33648152-C-T.
Other names: c.4271C>T (NM_002224.3); short protein forms T1424M.
Identifiers: ClinVar variation 1722510 (VCV001722510.19), dbSNP rs1561875704, ClinGen allele CA363704359.